The following is an entry in ClinVar:

ClinVar aggregate classification (germline): Likely benign (1 of 4 stars; one submission).

Conditions:
Growth delay due to insulin-like growth factor I resistance. Also called: Somatomedin end-organ insensitivity to; Somatomedin-c resistance to; IGF-1 resistance; IGF-I RESISTANCE; Insulin-Like Growth Factor I Resistance. Identifiers: Orphanet 73273, MedGen C1849157, MONDO:0010038, OMIM 270450.

Allele frequency attached by ClinVar (database versions not stated): gnomAD 0.00011 and 0.00039; TOPMed 0.00012; gnomAD exomes 0.00018; 1000 Genomes Project 0.00160; 1000 Genomes Project 30x 0.00203.
gnomAD v4.1: 73 of 233,362 alleles (0.031%); highest among the groups gnomAD compares: South Asian, 0.87%; 2 homozygotes.

Submission:

Illumina Laboratory Services, Illumina
Classification: Likely benign for Growth delay due to insulin-like growth factor I resistance. Last evaluated: 2018-01-13. Review status: criteria provided, single submitter. Criteria: ICSL Variant Classification Criteria 13 December 2019. Collection method: clinical testing. Allele origin: germline.
Comment: This variant was observed in the ICSL laboratory as part of a predisposition screen in an ostensibly healthy population. It had not been previously curated by ICSL or reported in the Human Gene Mutation Database (HGMD: prior to June 1st, 2018), and was therefore a candidate for classification through an automated scoring system. Utilizing variant allele frequency, disease prevalence and penetrance estimates, and inheritance mode, an automated score was calculated to assess if this variant is too frequent to cause the disease. Based on the score and internal cut-off values, a variant classified as likely benign is not then subjected to further curation. The score for this variant resulted in a classification of likely benign for this disease.

NM_000875.5(IGF1R):c.*4439G>C

Gene: IGF1R (insulin like growth factor 1 receptor; plus strand). Cytogenetic location: 15q26.3.
Variant type: single nucleotide variant.
Coding change: c.*4439G>C on transcript NM_000875.5 (MANE Select); 4439 bases downstream of the stop codon, G replaced by C.
Molecular consequence: 3 prime UTR variant.
Genome position (GRCh38, 1-based): chr15:98,961,881, G>C. VCF-style: chr15-98961881-G-C. GRCh37 (hg19) VCF-style: chr15-99505110-G-C.
Other names: c.*4439G>C (NM_001291858.2).
Identifiers: ClinVar variation 317579 (VCV000317579.5), dbSNP rs554640824, ClinGen allele CA10646777.